The following is an entry in ClinVar:

NM_006493.4(CLN5):c.339+11A>G

Gene: CLN5 (CLN5 lysosomal BMP synthase; plus strand). Cytogenetic location: 13q22.3.
Variant type: single nucleotide variant.
Coding change: c.339+11A>G on transcript NM_006493.4 (MANE Select); 11 bases into the intron after coding-DNA position 339, A replaced by G.
Molecular consequence: intron variant.
Genome position (GRCh38, 1-based): chr13:76,995,239, A>G. VCF-style: chr13-76995239-A-G. GRCh37 (hg19) VCF-style: chr13-77569374-A-G.
Other names: c.339+11A>G (NM_001366624.2); c.486+11A>G (LRG_692t1).
Identifiers: ClinVar variation 507004 (VCV000507004.9), dbSNP rs755999018, ClinGen allele CA7007182.

ClinVar aggregate classification (germline): Likely benign. Review status: criteria provided, multiple submitters, no conflicts (2 of 4 stars). 3 submissions from 3 submitters: Likely benign (3). Last evaluated 2025-12-01.

Conditions:
Neuronal ceroid lipofuscinosis. Also called: Neuronal Ceroid Lipofuscinoses. Identifiers: Orphanet 216, Orphanet 79263, MedGen C0027877, MONDO:0016295. Disease mechanism: loss of function.

Allele frequency attached by ClinVar (database versions not stated): TOPMed below 0.00001; ExAC 0.00001; gnomAD 0.00001; gnomAD exomes 0.00001.

Submissions (3):

Labcorp Genetics (formerly Invitae), Labcorp
Classification: Likely benign for Neuronal ceroid lipofuscinosis. Last evaluated: 2025-12-01. Review status: criteria provided, single submitter. Criteria: Invitae Variant Classification Sherloc (09022015). Collection method: clinical testing. Allele origin: germline.

Blueprint Genetics
Classification: Likely benign. Last evaluated: 2022-06-22. Review status: criteria provided, single submitter. Criteria: ACMG Guidelines, 2015. Collection method: clinical testing. Allele origin: germline.

GeneDx
Classification: Likely benign. Last evaluated: 2018-02-22. Review status: criteria provided, single submitter. Criteria: GeneDx Variant Classification (06012015). Collection method: clinical testing. Allele origin: germline. Affected: yes.
Comment: This variant is considered likely benign or benign based on one or more of the following criteria: it is a conservative change, it occurs at a poorly conserved position in the protein, it is predicted to be benign by multiple in silico algorithms, and/or has population frequency not consistent with disease.